The following is an entry in ClinVar:

ClinVar aggregate classification (germline): Uncertain significance (1 of 4 stars; one submission).

Conditions:
Macrothrombocytopenia and granulocyte inclusions with or without nephritis or sensorineural hearing loss (MATINS). Also called: BLEEDING DISORDER, PLATELET-TYPE, 6; MAY-HEGGLIN ANOMALY; Giant platelet syndrome with thrombocytopenia; SEBASTIAN PLATELET SYNDROME; MACROTHROMBOCYTOPENIA WITH DISPERSED LEUKOCYTIC INCLUSIONS; MACROTHROMBOCYTOPENIA, NEPHRITIS, AND DEAFNESS. Identifiers: Orphanet 182050, MedGen C5200934, MONDO:0015912, OMIM 155100.

Submission:

Victorian Clinical Genetics Services, Murdoch Childrens Research Institute
Classification: Uncertain significance for Macrothrombocytopenia and granulocyte inclusions with or without nephritis or sensorineural hearing loss. Last evaluated: 2026-02-10. Review status: criteria provided, single submitter. Criteria: ACMG Guidelines, 2015. Collection method: clinical testing. Allele origin: germline. Affected: yes.
Comment: This variant is classified as VUS-3B. Evidence in support of pathogenic classification: Variant is absent from gnomAD (v2, v3 and v4). Additional information: Variant is predicted to result in a missense amino acid change from Pro to Ala; This variant is heterozygous; This gene is associated with autosomal dominant disease; Alternative amino acid change(s) at the same position are present in gnomAD (highest allele count: v4: 1 heterozygote(s), 0 homozygote(s)); This variant has no previous evidence of pathogenicity; No published evidence of segregation with disease has been identified for this variant; No published functional evidence has been identified for this variant; No comparable missense variants have previous evidence for pathogenicity. However, an alternative change with stronger Grantham score (p.(Pro633Ser)) has been observed once in a deafness cohort and described as a VUS (PMID: 33724713); Variant is located in the annotated myosin head (motor domain) (DECIPHER); Missense variant with inconclusive in silico prediction and/or uninformative conservation; Dominant negative and loss of function are likely mechanisms of disease in this gene, and are associated with macrothrombocytopenia and granulocyte inclusions with or without nephritis or sensorineural hearing loss (MONDO:0015912); Variants in this gene are known to have variable expressivity. Expressivity varies for onset and severity of sensorineural deafness, glomerular nephropathy, presenile cataract, and alterations of liver enzymes (PMID: 20301740); Inheritance information for this variant is not currently available in this individual.

Literature cited by the submitters: PubMed 20301740; PubMed 33724713.

NM_002473.6(MYH9):c.1897C>G (p.Pro633Ala)

Gene: MYH9 (myosin heavy chain 9; minus strand). Cytogenetic location: 22q12.3.
Variant type: single nucleotide variant.
Coding change: c.1897C>G on transcript NM_002473.6 (MANE Select); coding-DNA position 1897, C replaced by G.
Protein change: p.Pro633Ala; replaces proline 633 with alanine.
Molecular consequence: missense variant.
Genome position (GRCh38, 1-based): chr22:36,306,554, G>C on the plus strand (C>G on the coding strand, the complement: MYH9 is on the minus strand). VCF-style: chr22-36306554-G-C. GRCh37 (hg19) VCF-style: chr22-36702600-G-C.
Other names: short protein forms P633A.
Identifiers: ClinVar variation 4879686 (VCV004879686.1).